The following is an entry in ClinVar:

NM_032119.4(ADGRV1):c.13433G>T (p.Ser4478Ile)

Gene: ADGRV1 (adhesion G protein-coupled receptor V1; plus strand). Cytogenetic location: 5q14.3.
Variant type: single nucleotide variant.
Coding change: c.13433G>T on transcript NM_032119.4 (MANE Select); coding-DNA position 13433, G replaced by T.
Protein change: p.Ser4478Ile; replaces serine 4478 with isoleucine.
Molecular consequence: missense variant. On other transcripts: non-coding transcript variant (1).
Genome position (GRCh38, 1-based): chr5:90,783,325, G>T. VCF-style: chr5-90783325-G-T. GRCh37 (hg19) VCF-style: chr5-90079142-G-T.
Other names: short protein forms S4478I.
Identifiers: ClinVar variation 2629076 (VCV002629076.1), dbSNP rs989031135, ClinGen allele CA122809197.

ClinVar aggregate classification (germline): Uncertain significance (1 of 4 stars; one submission).

Conditions:
ADGRV1-related disorder. Also called: ADGRV1-related condition; ADGRV1-related disorders.

Allele frequency attached by ClinVar (database versions not stated): gnomAD exomes below 0.00001; gnomAD 0.00001; TOPMed 0.00001.
gnomAD v4.1: 3 of 1,597,654 alleles (0.00019%); highest among the groups gnomAD compares: African/African-American, 0.004%; no homozygotes.

Submission:

PreventionGenetics, part of Exact Sciences
Classification: Uncertain significance for ADGRV1-related condition. Last evaluated: 2023-05-10. Review status: criteria provided, single submitter. Criteria: ACMG Guidelines, 2015. Collection method: clinical testing. Allele origin: germline.
Comment: The ADGRV1 c.13433G>T variant is predicted to result in the amino acid substitution p.Ser4478Ile. This variant was reported in a patient with Usher syndrome (Le Quesne Stabej. 2012. PubMed ID: 22135276). This variant has not been reported in a large population database, indicating this variant is rare. At this time, the clinical significance of this variant is uncertain due to the absence of conclusive functional and genetic evidence.